The following is an entry in ClinVar:

ClinVar aggregate classification (germline): Uncertain significance (1 of 4 stars; one submission).

Allele frequency attached by ClinVar (database versions not stated): gnomAD exomes below 0.00001.

Submission:

Labcorp Genetics (formerly Invitae), Labcorp
Classification: Uncertain significance. Last evaluated: 2022-02-02. Review status: criteria provided, single submitter. Criteria: Invitae Variant Classification Sherloc (09022015). Collection method: clinical testing. Allele origin: germline.
Comment: This sequence change replaces alanine, which is neutral and non-polar, with aspartic acid, which is acidic and polar, at codon 2466 of the PCLO protein (p.Ala2466Asp). In summary, the available evidence is currently insufficient to determine the role of this variant in disease. Therefore, it has been classified as a Variant of Uncertain Significance. This variant is not present in population databases (gnomAD no frequency). This variant has not been reported in the literature in individuals affected with PCLO-related conditions. Algorithms developed to predict the effect of missense changes on protein structure and function are either unavailable or do not agree on the potential impact of this missense change (SIFT: "Tolerated"; PolyPhen-2: "Not Available"; Align-GVGD: "Class C0").

NM_033026.6(PCLO):c.7397C>A (p.Ala2466Asp)

Gene: PCLO (piccolo presynaptic cytomatrix protein; minus strand). Cytogenetic location: 7q21.11.
Variant type: single nucleotide variant.
Coding change: c.7397C>A on transcript NM_033026.6 (MANE Select); coding-DNA position 7397, C replaced by A.
Protein change: p.Ala2466Asp; replaces alanine 2466 with aspartic acid.
Molecular consequence: missense variant.
Genome position (GRCh38, 1-based): chr7:82,953,556, G>T on the plus strand (C>A on the coding strand, the complement: PCLO is on the minus strand). VCF-style: chr7-82953556-G-T. GRCh37 (hg19) VCF-style: chr7-82582872-G-T.
Other names: c.7397C>A, p.Ala2466Asp (NM_014510.3); short protein forms A2466D.
Identifiers: ClinVar variation 1473003 (VCV001473003.8), dbSNP rs2116440898, ClinGen allele CA367917093.
Genomic context (GRCh38, chr7:82,953,556, plus strand): 5'-ACAGGAGGAGGTGCAGTAGTACATATTCTTGTAACAGGTAATCCATTACTTCTCAGAACA[G>T]CTGTGGTCTCTAGAGTAGTAACAGCATCAAACAGAGGTGTAGCTGTAGTCACTGGAGATG-3'
Protein context (NP_149015.2, residues 2456-2476): FDAVTTLETT[Ala2466Asp]VLRSNGLPVT